The following is an entry in ClinVar:

NM_001849.4(COL6A2):c.904G>A (p.Val302Ile)

Gene: COL6A2 (collagen type VI alpha 2 chain; plus strand). Cytogenetic location: 21q22.3.
Variant type: single nucleotide variant.
Coding change: c.904G>A on transcript NM_001849.4 (MANE Select); coding-DNA position 904, G replaced by A.
Protein change: p.Val302Ile; replaces valine 302 with isoleucine.
Molecular consequence: missense variant.
Genome position (GRCh38, 1-based): chr21:46,116,380, G>A. VCF-style: chr21-46116380-G-A. GRCh37 (hg19) VCF-style: chr21-47536294-G-A.
Other names: p.Val302Ile; c.904G>A, p.Val302Ile (NM_058174.3, NM_058175.3); short protein forms V302I.
Identifiers: ClinVar variation 642657 (VCV000642657.12), dbSNP rs755822013, ClinGen allele CA10071534.

ClinVar aggregate classification (germline): Conflicting classifications of pathogenicity. Review status: criteria provided, conflicting classifications (1 of 4 stars). 4 submissions from 4 submitters: Uncertain significance (3); Benign (1). Last evaluated 2026-01-27.

Conditions:
Bethlem myopathy 1A. Also called: Bethlem Muscular Dystrophy; Bethlem myopathy 1; MYOPATHY, BENIGN CONGENITAL, WITH CONTRACTURES. Identifiers: Orphanet 610, MedGen CN029274, MONDO:0024530, OMIM 158810.

Allele frequency attached by ClinVar (database versions not stated): ExAC 0.00003; gnomAD 0.00003; gnomAD exomes 0.00004; TOPMed 0.00005.
gnomAD v4.1: 60 of 1,612,862 alleles (0.0037%); highest among the groups gnomAD compares: South Asian, 0.0055%; no homozygotes.

Submissions (4):

Labcorp Genetics (formerly Invitae), Labcorp
Classification: Benign for Bethlem myopathy 1A. Last evaluated: 2026-01-27. Review status: criteria provided, single submitter. Criteria: Invitae Variant Classification Sherloc (09022015). Collection method: clinical testing. Allele origin: germline.

Women's Health and Genetics/Laboratory Corporation of America, LabCorp
Classification: Uncertain significance. Last evaluated: 2025-07-29. Review status: criteria provided, single submitter. Criteria: LabCorp Variant Classification Summary - May 2015. Collection method: clinical testing. Allele origin: germline.
Comment: Variant summary: COL6A2 c.904G>A (p.Val302Ile) results in a conservative amino acid change in the encoded protein sequence. Algorithms developed to predict the effect of missense changes on protein structure and function are either unavailable or do not agree on the potential impact of this missense change. The variant allele was found at a frequency of 3.6e-05 in 249984 control chromosomes. The available data on variant occurrences in the general population are insufficient to allow any conclusion about variant significance. To our knowledge, no occurrence of c.904G>A in individuals affected with Ullrich congenital muscular dystrophy 1-AR and no experimental evidence demonstrating its impact on protein function have been reported. ClinVar contains an entry for this variant (Variation ID: 642657). Based on the evidence outlined above, the variant was classified as uncertain significance.

Revvity Omics, Revvity
Classification: Uncertain significance. Last evaluated: 2023-09-28. Review status: criteria provided, single submitter. Criteria: ACMG Guidelines, 2015. Collection method: clinical testing. Allele origin: germline.

Mayo Clinic Laboratories, Mayo Clinic
Classification: Uncertain significance. Last evaluated: 2023-03-28. Review status: criteria provided, single submitter. Criteria: ACMG Guidelines, 2015. Collection method: clinical testing. Allele origin: germline. Observed: 1 variant allele.
Comment: BP4